The following is an entry in ClinVar:

ClinVar aggregate classification (germline): Uncertain significance. Review status: criteria provided, multiple submitters, no conflicts (2 of 4 stars). 3 submissions from 3 submitters: Uncertain significance (3). Last evaluated 2022-03-15.

Conditions:
Microcephaly 7, primary, autosomal recessive. Identifiers: Orphanet 2512, MedGen C2675187, MONDO:0012989, OMIM 612703.

Allele frequency attached by ClinVar (database versions not stated): ExAC 0.00011; gnomAD exomes 0.00012 and 0.00024; TOPMed 0.00015; gnomAD 0.00019; ESP Exome Variant Server 0.00031.
gnomAD v4.1: 371 of 1,613,820 alleles (0.023%); highest among the groups gnomAD compares: Non-Finnish European, 0.028%; no homozygotes.

Submissions (3):

Labcorp Genetics (formerly Invitae), Labcorp
Classification: Uncertain significance. Last evaluated: 2022-03-15. Review status: criteria provided, single submitter. Criteria: Invitae Variant Classification Sherloc (09022015). Collection method: clinical testing. Allele origin: germline.
Comment: This sequence change replaces serine, which is neutral and polar, with leucine, which is neutral and non-polar, at codon 76 of the STIL protein (p.Ser76Leu). This variant is present in population databases (rs147160336, gnomAD 0.02%). This variant has not been reported in the literature in individuals affected with STIL-related conditions. ClinVar contains an entry for this variant (Variation ID: 160055). Algorithms developed to predict the effect of missense changes on protein structure and function output the following: SIFT: "Tolerated"; PolyPhen-2: "Benign"; Align-GVGD: "Class C0". The leucine amino acid residue is found in multiple mammalian species, which suggests that this missense change does not adversely affect protein function. In summary, the available evidence is currently insufficient to determine the role of this variant in disease. Therefore, it has been classified as a Variant of Uncertain Significance.

Illumina Laboratory Services, Illumina
Classification: Uncertain significance for Microcephaly 7, primary, autosomal recessive. Last evaluated: 2017-04-27. Review status: criteria provided, single submitter. Criteria: ICSL Variant Classification Criteria 13 December 2019. Collection method: clinical testing. Allele origin: germline.

Genetic Services Laboratory, University of Chicago
Classification: Uncertain significance for Microcephaly 7, primary, autosomal recessive. Last evaluated: 2013-02-08. Review status: criteria provided, single submitter. Criteria: ACMG Guidelines, 2007. Collection method: clinical testing. Allele origin: germline. Inheritance: Autosomal recessive inheritance.

NM_001048166.1(STIL):c.227C>T (p.Ser76Leu)

Gene: STIL (STIL centriolar assembly protein; minus strand). Cytogenetic location: 1p33.
Variant type: single nucleotide variant.
Coding change: c.227C>T on transcript NM_001048166.1 (MANE Select); coding-DNA position 227, C replaced by T.
Protein change: p.Ser76Leu; replaces serine 76 with leucine.
Molecular consequence: missense variant.
Genome position (GRCh38, 1-based): chr1:47,302,272, G>A on the plus strand (C>T on the coding strand, the complement: STIL is on the minus strand). VCF-style: chr1-47302272-G-A. GRCh37 (hg19) VCF-style: chr1-47767944-G-A.
Other names: c.227C>T, p.Ser76Leu (NM_001282936.1, NM_001282937.1, NM_001282938.1 and 2 more transcripts); short protein forms S76L.
Identifiers: ClinVar variation 160055 (VCV000160055.10), dbSNP rs147160336, ClinGen allele CA272664.